The following is an entry in ClinVar:

NM_006393.3(NEBL):c.1021GAA[1] (p.Glu342del)

Gene: NEBL (nebulette; minus strand). Cytogenetic location: 10p12.31.
Variant type: Microsatellite.
Coding change: c.1021GAA[1] on transcript NM_006393.3 (MANE Select); one copy of the 3-base unit GAA starting at c.1021; the reference has two copies in a row; one copy, 3 bases deleted.
Protein change: p.Glu342del; deletes glutamic acid 342.
Molecular consequence: inframe deletion. On other transcripts: intron variant (9).
Genome position (GRCh38, 1-based): chr10:20,850,485-20,850,487, TTC deleted on the plus strand (GAA on the coding strand, the reverse complement: NEBL is on the minus strand); deleting any 3 consecutive bases within chr10:20,850,485-20,850,492 gives the same sequence; the position shown is the placement nearest the transcript's 3' end. VCF-style (leftmost placement, unchanged base first): chr10-20850484-ATTC-A. GRCh37 (hg19) VCF-style: chr10-21139413-ATTC-A.
Other names: c.250-37547_250-37545del (NM_001377326.1, NM_001377327.1, NM_001377328.1); c.358-37547_358-37545del (NM_213569.2, NM_001173484.2, NM_001377322.1); c.301-37547_301-37545del (NM_001377324.1); c.292-37547_292-37545del (NM_001377325.1); c.310-37547_310-37545del (NM_001377323.1); short protein forms E342del.
Identifiers: ClinVar variation 2044823 (VCV002044823.4), dbSNP rs2491981199, ClinGen allele CA2580615437.

ClinVar aggregate classification (germline): Uncertain significance (1 of 4 stars; one submission).

Conditions:
Primary dilated cardiomyopathy (DCM). Also called: Dilated Cardiomyopathy. Identifiers: Orphanet 217604, MedGen C0007193, MeSH D002311, MONDO:0005021, HP:0001644. Inheritance: Various modes of inheritance.

Submission:

Labcorp Genetics (formerly Invitae), Labcorp
Classification: Uncertain significance for Primary dilated cardiomyopathy. Last evaluated: 2021-12-17. Review status: criteria provided, single submitter. Criteria: Invitae Variant Classification Sherloc (09022015). Collection method: clinical testing. Allele origin: germline.
Comment: In summary, the available evidence is currently insufficient to determine the role of this variant in disease. Therefore, it has been classified as a Variant of Uncertain Significance. Experimental studies and prediction algorithms are not available or were not evaluated, and the functional significance of this variant is currently unknown. This variant has not been reported in the literature in individuals affected with NEBL-related conditions. This variant is not present in population databases (gnomAD no frequency). This variant, c.1024_1026del, results in the deletion of 1 amino acid(s) of the NEBL protein (p.Glu342del), but otherwise preserves the integrity of the reading frame.